The following is an entry in ClinVar:

NM_138691.3(TMC1):c.637C>T (p.Pro213Ser)

Gene: TMC1 (transmembrane channel like 1; plus strand). Cytogenetic location: 9q21.13.
Variant type: single nucleotide variant.
Coding change: c.637C>T on transcript NM_138691.3 (MANE Select); coding-DNA position 637, C replaced by T.
Protein change: p.Pro213Ser; replaces proline 213 with serine.
Molecular consequence: missense variant.
Genome position (GRCh38, 1-based): chr9:72,751,951, C>T. VCF-style: chr9-72751951-C-T. GRCh37 (hg19) VCF-style: chr9-75366867-C-T.
Other names: short protein forms P213S.
Identifiers: ClinVar variation 505103 (VCV000505103.5), dbSNP rs745569653, ClinGen allele CA5081735.

ClinVar aggregate classification (germline): Uncertain significance (1 of 4 stars; one submission).

Allele frequency attached by ClinVar (database versions not stated): gnomAD 0.00001; gnomAD exomes 0.00001 and 0.00004; TOPMed 0.00001; ExAC 0.00007.
gnomAD v4.1: 14 of 1,595,764 alleles (0.00088%); highest among the groups gnomAD compares: Non-Finnish European, 0.0012%; no homozygotes.

Submission:

Laboratory for Molecular Medicine, Mass General Brigham Personalized Medicine
Classification: Uncertain significance. Last evaluated: 2016-06-30. Review status: criteria provided, single submitter. Criteria: LMM Criteria. Collection method: clinical testing. Allele origin: germline. Observed: 1 variant allele.
Comment: The p.Pro213Ser variant in TMC1 has not been previously reported in individuals with hearing loss. This variant has been identified in 9/66730 of European chrom osomes by the Exome Aggregation Consortium (ExAC ; dbSNP rs745569653); however, its frequency is not high enough to rule out a pa thogenic role. Computational prediction tools and conservation analyses do not p rovide strong support for or against an impact to the protein. In summary, the c linical significance of the p.Pro213Ser variant is uncertain.